The following is an entry in ClinVar:

ClinVar aggregate classification (germline): Uncertain significance (1 of 4 stars; one submission).

Conditions:
PURA-related severe neonatal hypotonia-seizures-encephalopathy syndrome (NEDRIHF). Also called: NEURODEVELOPMENTAL DISORDER WITH NEONATAL RESPIRATORY INSUFFICIENCY, HYPOTONIA, AND FEEDING DIFFICULTIES; PURA-Related Neurodevelopmental Disorders. Identifiers: Orphanet 438213, Orphanet 438216, MedGen C4015357, MONDO:1060108, OMIM 616158, MONDO:0018580.

Submission:

Labcorp Genetics (formerly Invitae), Labcorp
Classification: Uncertain significance for PURA-related severe neonatal hypotonia-seizures-encephalopathy syndrome. Last evaluated: 2024-12-30. Review status: criteria provided, single submitter. Criteria: Invitae Variant Classification Sherloc (09022015). Collection method: clinical testing. Allele origin: germline.
Comment: This variant, c.478_480del, results in the deletion of 1 amino acid(s) of the PURA protein (p.Lys160del), but otherwise preserves the integrity of the reading frame. This variant is not present in population databases (gnomAD no frequency). This variant has not been reported in the literature in individuals affected with PURA-related conditions. ClinVar contains an entry for this variant (Variation ID: 939610). In summary, the available evidence is currently insufficient to determine the role of this variant in disease. Therefore, it has been classified as a Variant of Uncertain Significance.

NM_005859.5(PURA):c.478_480del (p.Lys160del)

Gene: PURA (purine rich element binding protein A; plus strand). Cytogenetic location: 5q31.3.
Variant type: Deletion.
Coding change: c.478_480del on transcript NM_005859.5 (MANE Select); coding-DNA positions 478 to 480, 3 bases deleted (AAG; older notation c.478_480delAAG).
Protein change: p.Lys160del; deletes lysine 160.
Molecular consequence: inframe deletion.
Genome position (GRCh38, 1-based): chr5:140,114,659-140,114,661, AAG deleted. VCF-style (leftmost placement, unchanged base first): chr5-140114658-CAAG-C. GRCh37 (hg19) VCF-style: chr5-139494243-CAAG-C.
Other names: short protein forms K160del.
Identifiers: ClinVar variation 939610 (VCV000939610.7), dbSNP rs1763048440, ClinGen allele CA1139659101.